The following is an entry in ClinVar:

ClinVar aggregate classification (germline): Uncertain significance (1 of 4 stars; one submission).

Conditions:
Lethal multiple pterygium syndrome (LMPS). Identifiers: Orphanet 33108, MedGen C1854678, MONDO:0009668, OMIM 253290.

Allele frequency attached by ClinVar (database versions not stated): gnomAD exomes 0.00001.
gnomAD v4.1: 8 of 1,613,940 alleles (0.0005%); highest among the groups gnomAD compares: Admixed American, 0.0017%; no homozygotes.

Submission:

Labcorp Genetics (formerly Invitae), Labcorp
Classification: Uncertain significance for Lethal multiple pterygium syndrome. Last evaluated: 2022-01-22. Review status: criteria provided, single submitter. Criteria: Invitae Variant Classification Sherloc (09022015). Collection method: clinical testing. Allele origin: germline.
Comment: This sequence change replaces proline, which is neutral and non-polar, with serine, which is neutral and polar, at codon 292 of the CHRNA1 protein (p.Pro292Ser). In summary, the available evidence is currently insufficient to determine the role of this variant in disease. Therefore, it has been classified as a Variant of Uncertain Significance. Advanced modeling of protein sequence and biophysical properties (such as structural, functional, and spatial information, amino acid conservation, physicochemical variation, residue mobility, and thermodynamic stability) performed at Invitae indicates that this missense variant is expected to disrupt CHRNA1 protein function. This variant has not been reported in the literature in individuals affected with CHRNA1-related conditions. The frequency data for this variant in the population databases is considered unreliable, as metrics indicate poor data quality at this position in the gnomAD database.

NM_000079.4(CHRNA1):c.874C>T (p.Pro292Ser)

Gene: CHRNA1 (cholinergic receptor nicotinic alpha 1 subunit; minus strand). Cytogenetic location: 2q31.1.
Variant type: single nucleotide variant.
Coding change: c.874C>T on transcript NM_000079.4 (MANE Select); coding-DNA position 874, C replaced by T.
Protein change: p.Pro292Ser; replaces proline 292 with serine.
Molecular consequence: missense variant.
Genome position (GRCh38, 1-based): chr2:174,750,074, G>A on the plus strand (C>T on the coding strand, the complement: CHRNA1 is on the minus strand). VCF-style: chr2-174750074-G-A. GRCh37 (hg19) VCF-style: chr2-175614802-G-A.
Other names: c.949C>T, p.Pro317Ser (NM_001039523.3); short protein forms P317S, P292S.
Identifiers: ClinVar variation 2056847 (VCV002056847.4), dbSNP rs1442879753, ClinGen allele CA349336597.